The following is an entry in ClinVar:

ClinVar aggregate classification (germline): Uncertain significance (1 of 4 stars; one submission).

Conditions:
Myofibrillar myopathy 4. Also called: Zaspopathy (type). Identifiers: Orphanet 98912, MedGen C4721886, MONDO:0012277, OMIM 609452.

Allele frequency attached by ClinVar (database versions not stated): ExAC 0.00001; gnomAD exomes 0.00001; TOPMed 0.00001; ESP Exome Variant Server 0.00008.
gnomAD v4.1: 18 of 1,613,394 alleles (0.0011%); highest among the groups gnomAD compares: East Asian, 0.0045%; no homozygotes.

Submission:

Labcorp Genetics (formerly Invitae), Labcorp
Classification: Uncertain significance for Myofibrillar myopathy 4. Last evaluated: 2023-12-18. Review status: criteria provided, single submitter. Criteria: Invitae Variant Classification Sherloc (09022015). Collection method: clinical testing. Allele origin: germline.
Comment: This sequence change replaces glycine, which is neutral and non-polar, with arginine, which is basic and polar, at codon 11 of the LDB3 protein (p.Gly11Arg). This variant is present in population databases (rs370493508, gnomAD 0.002%). This variant has not been reported in the literature in individuals affected with LDB3-related conditions. ClinVar contains an entry for this variant (Variation ID: 1007871). An algorithm developed to predict the effect of missense changes on protein structure and function (PolyPhen-2) suggests that this variant is likely to be disruptive. In summary, the available evidence is currently insufficient to determine the role of this variant in disease. Therefore, it has been classified as a Variant of Uncertain Significance.

NM_007078.3(LDB3):c.31G>A (p.Gly11Arg)

Gene: LDB3 (LIM domain binding 3; plus strand). Cytogenetic location: 10q23.2.
Variant type: single nucleotide variant.
Coding change: c.31G>A on transcript NM_007078.3 (MANE Select); coding-DNA position 31, G replaced by A.
Protein change: p.Gly11Arg; replaces glycine 11 with arginine.
Molecular consequence: missense variant.
Genome position (GRCh38, 1-based): chr10:86,668,722, G>A. VCF-style: chr10-86668722-G-A. GRCh37 (hg19) VCF-style: chr10-88428479-G-A.
Other names: c.31G>A, p.Gly11Arg (NM_001080114.2, NM_001080115.2, NM_001080116.1 and 8 more transcripts); short protein forms G11R.
Identifiers: ClinVar variation 1007871 (VCV001007871.9), dbSNP rs370493508, ClinGen allele CA5584565.